The following is an entry in ClinVar:

NM_001282116.2(RFX3):c.1028A>T (p.Asp343Val)

Gene: RFX3 (regulatory factor X3; minus strand). Cytogenetic location: 9p24.2.
Variant type: single nucleotide variant.
Coding change: c.1028A>T on transcript NM_001282116.2 (MANE Select); coding-DNA position 1028, A replaced by T.
Protein change: p.Asp343Val; replaces aspartic acid 343 with valine.
Molecular consequence: missense variant.
Genome position (GRCh38, 1-based): chr9:3,275,558, T>A on the plus strand (A>T on the coding strand, the complement: RFX3 is on the minus strand). VCF-style: chr9-3275558-T-A. GRCh37 (hg19) VCF-style: chr9-3275558-T-A.
Other names: c.1028A>T, p.Asp343Val (NM_001282117.2, NM_001377999.1, NM_002919.4 and 1 more transcripts); short protein forms D343V.
Identifiers: ClinVar variation 5017111 (VCV005017111.1).

ClinVar aggregate classification (germline): Uncertain significance (1 of 4 stars; one submission).

Submission:

GeneDx
Classification: Uncertain significance. Last evaluated: 2026-03-22. Review status: criteria provided, single submitter. Criteria: GeneDx Variant Classification Process June 2021. Collection method: clinical testing. Allele origin: germline.
Comment: Not observed at significant frequency in large population cohorts (gnomAD); In silico analysis supports that this missense variant has a deleterious effect on protein structure/function; Has not been previously published as pathogenic or benign to our knowledge